The following is an entry in ClinVar:

ClinVar aggregate classification (germline): Pathogenic. Review status: reviewed by expert panel (3 of 4 stars). 10 submissions from 10 submitters: Pathogenic (1). 9 of the submissions do not count toward it. Last evaluated 2013-09-05.

Conditions:
Hereditary nonpolyposis colorectal neoplasms. Identifiers: MedGen C0009405, MeSH D003123.
Lynch syndrome. Identifiers: Orphanet 144, MedGen C4552100, MONDO:0005835. Disease mechanism: loss of function.
Mismatch repair cancer syndrome 4. Identifiers: MedGen C5436817, MONDO:0030843, OMIM 619101.
Lynch syndrome 4 (LYNCH4). Also called: Colorectal cancer, hereditary nonpolyposis, type 4; Hereditary non-polyposis colorectal cancer, type 4. Identifiers: Orphanet 144, MedGen C1838333, MONDO:0013699, OMIM 614337. Disease mechanism: loss of function.
Hereditary nonpolyposis colon cancer (HNPCC). Also called: Hereditary nonpolyposis colorectal cancer; Familial nonpolyposis colon cancer; Hereditary Nonpolyposis Colorectal Cancer Syndrome. Identifiers: Orphanet 443909, MedGen C1333990, MONDO:0018630. Disease mechanism: loss of function.
Hereditary cancer-predisposing syndrome. Also called: Tumor predisposition; Hereditary Cancer Syndrome; Hereditary neoplastic syndrome; Neoplastic Syndromes, Hereditary. Identifiers: Orphanet 140162, MedGen C0027672, MeSH D009386, MONDO:0015356.

gnomAD v4.1: 1 of 1,601,810 alleles (0.000062%); highest among the groups gnomAD compares: African/African-American, 0.0013%; no homozygotes.

Submissions (10):

International Society for Gastrointestinal Hereditary Tumours (InSiGHT)
Classification: Pathogenic for Lynch Syndrome. Last evaluated: 2013-09-05. Review status: reviewed by expert panel. Criteria: Guidelines v1.9. Collection method: research. Allele origin: germline.
Comment: Coding sequence variation resulting in a stop codon

Classified with v1.9 guidelines

Color Diagnostics, LLC DBA Color Health
Classification: Pathogenic for Hereditary cancer-predisposing syndrome. Last evaluated: 2025-09-16. Review status: criteria provided, single submitter. Criteria: ACMG Guidelines, 2015. Collection method: clinical testing. Allele origin: germline. Not counted in ClinVar's aggregate classification.
Comment: This variant changes 1 nucleotide in exon 9 of the PMS2 gene, creating a premature translation stop signal. This variant is expected to result in an absent or non-functional protein product. This variant has been observed in individuals affected with autosomal recessive constitutional mismatch repair deficiency syndrome and colorectal cancer (CMMRDPMID: 18602922, 19283792). This variant has not been identified in the general population by the Genome Aggregation Database (gnomAD). Loss of PMS2 function is a known mechanism of disease. Based on the available evidence, this variant is classified as Pathogenic.

Women's Health and Genetics/Laboratory Corporation of America, LabCorp
Classification: Pathogenic for Hereditary nonpolyposis colon cancer. Last evaluated: 2025-06-02. Review status: criteria provided, single submitter. Criteria: LabCorp Variant Classification Summary - May 2015. Collection method: clinical testing. Allele origin: germline. Not counted in ClinVar's aggregate classification.
Comment: Variant summary: PMS2 c.949C>T (p.Gln317X) results in a premature termination codon, predicted to cause a truncation of the encoded protein or absence of the protein due to nonsense mediated decay, which are commonly known mechanisms for disease. The variant was absent in 251288 control chromosomes. c.949C>T has been observed in at least one individual affected with autosomal dominant Lynch syndrome and in at least one additional individual affected with autosomal recessive mismatch repair cancer syndrome (Senter_2008). These data indicate that the variant may be associated with disease. The following publication have been ascertained in the context of this evaluation (PMID: 18602922). ClinVar contains an entry for this variant (Variation ID: 91383). Based on the evidence outlined above, the variant was classified as pathogenic.

Labcorp Genetics (formerly Invitae), Labcorp
Classification: Pathogenic for Hereditary nonpolyposis colorectal neoplasms. Last evaluated: 2025-05-05. Review status: criteria provided, single submitter. Criteria: Invitae Variant Classification Sherloc (09022015). Collection method: clinical testing. Allele origin: germline. Not counted in ClinVar's aggregate classification.
Comment: This sequence change creates a premature translational stop signal (p.Gln317*) in the PMS2 gene. It is expected to result in an absent or disrupted protein product. Loss-of-function variants in PMS2 are known to be pathogenic (PMID: 21376568, 24362816). This variant is not present in population databases (gnomAD no frequency). This premature translational stop signal has been observed in individual(s) with colorectal cancer and/or constitutional mismatch repair deficiency (CMMR-D) syndrome (PMID: 18602922, 19283792). ClinVar contains an entry for this variant (Variation ID: 91383). For these reasons, this variant has been classified as Pathogenic.

GeneDx
Classification: Pathogenic. Last evaluated: 2024-01-30. Review status: criteria provided, single submitter. Criteria: GeneDx Variant Classification Process June 2021. Collection method: clinical testing. Allele origin: germline. Affected: yes. Not counted in ClinVar's aggregate classification.
Comment: Nonsense variant predicted to result in protein truncation or nonsense mediated decay in a gene for which loss-of-function is a known mechanism of disease; Observed in patients with Lynch-related cancers and tumor studies consistent with pathogenic variants in this gene (PMID: 18602922); Truncating variants in this gene are considered pathogenic by a well-established clinical consortium and/or database; Not observed at significant frequency in large population cohorts (gnomAD); This variant is associated with the following publications: (PMID: 25525159, 21376568, 20531397, 22577899, 18709565, 18602922, 19283792, 34308104)

Myriad Genetics, Inc.
Classification: Pathogenic for Lynch syndrome 4. Last evaluated: 2023-09-19. Review status: criteria provided, single submitter. Criteria: Myriad Autosomal Dominant, Autosomal Recessive and X-Linked Classification Criteria (2023). Collection method: clinical testing. Allele origin: unknown. Not counted in ClinVar's aggregate classification.
Comment: This variant is considered pathogenic. This variant creates a termination codon and is predicted to result in premature protein truncation.

St. Jude Molecular Pathology, St. Jude Children's Research Hospital
Classification: Pathogenic for Lynch syndrome 4. Last evaluated: 2023-06-26. Review status: criteria provided, single submitter. Criteria: St. Jude Assertion Criteria 2020. Collection method: clinical testing. Allele origin: germline. Affected: yes. Not counted in ClinVar's aggregate classification.
Comment: The PMS2 c.949C>T (p.Gln317Ter) change is a nonsense variant that is predicted to cause premature protein truncation and loss of normal protein function. Loss-of-function variants in PMS2 are known to be pathogenic (PMID: 21376568, 24362816). This variant has been reported as heterozygous in an individual with colon cancer (PMID: 18602922). This variant is absent in gnomAD v2.1.1. In summary, this variant meets criteria to be classified as pathogenic.

Ambry Genetics
Classification: Pathogenic for Hereditary cancer-predisposing syndrome. Last evaluated: 2023-06-20. Review status: criteria provided, single submitter. Criteria: Ambry Variant Classification Scheme 2023. Collection method: clinical testing. Allele origin: germline. Not counted in ClinVar's aggregate classification.
Comment: The p.Q317* pathogenic mutation (also known as c.949C>T), located in coding exon 9 of the PMS2 gene, results from a C to T substitution at nucleotide position 949. This changes the amino acid from a glutamine to a stop codon within coding exon 9. In addition to the clinical data presented in the literature, this alteration is expected to result in loss of function by premature protein truncation or nonsense-mediated mRNA decay. As such, this alteration is interpreted as a disease-causing mutation.

Baylor Genetics
Classification: Pathogenic for Lynch syndrome 4. Last evaluated: 2023-03-27. Review status: criteria provided, single submitter. Criteria: ACMG Guidelines, 2015. Collection method: clinical testing. Allele origin: unknown. Not counted in ClinVar's aggregate classification.

Department of Pathology and Laboratory Medicine, Sinai Health System
Classification: Pathogenic for Lynch syndrome 4; Mismatch repair cancer syndrome 4. Last evaluated: 2022-04-05. Review status: criteria provided, single submitter. Criteria: ACMG Guidelines, 2015. Collection method: clinical testing. Allele origin: germline. Affected: yes. Not counted in ClinVar's aggregate classification.

Literature cited by the submitters: PubMed 18602922 (cited by 4 submitters); PubMed 21376568 (cited by Labcorp Genetics (formerly Invitae), Labcorp and Ambry Genetics); PubMed 24362816 (cited by Labcorp Genetics (formerly Invitae), Labcorp); PubMed 19283792 (cited by Labcorp Genetics (formerly Invitae), Labcorp and Ambry Genetics); PubMed 20531397 (cited by Ambry Genetics).

NM_000535.7(PMS2):c.949C>T (p.Gln317Ter)

Gene: PMS2 (PMS1 homolog 2, mismatch repair system component; minus strand). Cytogenetic location: 7p22.1.
Variant type: single nucleotide variant.
Coding change: c.949C>T on transcript NM_000535.7 (MANE Select); coding-DNA position 949, C replaced by T.
Protein change: p.Gln317Ter; replaces glutamine 317 with a stop codon.
Molecular consequence: nonsense. On other transcripts: non-coding transcript variant (1).
Genome position (GRCh38, 1-based): chr7:5,992,012, G>A on the plus strand (C>T on the coding strand, the complement: PMS2 is on the minus strand). VCF-style: chr7-5992012-G-A. GRCh37 (hg19) VCF-style: chr7-6031643-G-A.
Other names: c.544C>T, p.Gln182Ter (NM_001322003.2, NM_001322004.2, NM_001322005.2 and 2 more transcripts); c.949C>T, p.Gln317Ter (NM_001322006.2, NM_001322014.2); c.631C>T, p.Gln211Ter (NM_001322007.2, NM_001322008.2); c.16C>T, p.Gln6Ter (NM_001322011.2, NM_001322012.2); c.376C>T, p.Gln126Ter (NM_001322013.2); c.640C>T, p.Gln214Ter (NM_001322015.2); short protein forms Q317*, Q182*, Q211*, Q214*, Q126*, Q6*.
Identifiers: ClinVar variation 91383 (VCV000091383.25), dbSNP rs143277125, ClinGen allele CA013352.